The following is an entry in ClinVar:

NM_172107.4(KCNQ2):c.861C>G (p.Thr287=)

Gene: KCNQ2 (potassium voltage-gated channel subfamily Q member 2; minus strand). Cytogenetic location: 20q13.33.
Variant type: single nucleotide variant.
Coding change: c.861C>G on transcript NM_172107.4 (MANE Select); coding-DNA position 861, C replaced by G.
Protein change: p.Thr287=; no amino-acid change (threonine 287 retained).
Molecular consequence: synonymous variant.
Genome position (GRCh38, 1-based): chr20:63,439,664, G>C on the plus strand (C>G on the coding strand, the complement: KCNQ2 is on the minus strand). VCF-style: chr20-63439664-G-C. GRCh37 (hg19) VCF-style: chr20-62071017-G-C.
Other names: c.861C>G, p.Thr287= (NM_004518.6, NM_172106.3, NM_172108.5 and 1 more transcripts); c.861C>G (NM_172107.3).
Identifiers: ClinVar variation 378024 (VCV000378024.17), dbSNP rs11698044, ClinGen allele CA9958707.
Genomic context (GRCh38, chr20:63,439,664, plus strand): 5'-CAGCGCGAAGAAGGAGACACCGATGAGGGTGAAGGTTGCCGCAAGGAGCCTGCCGTTCCA[G>C]GTCTGGGGGTACTTGTCCCCGTAGCCAATGGTGGTCAGCGTGATCTGTGGGACCGCAGGC-3'
Protein context (NP_742105.1, residues 277-297): TIGYGDKYPQ[Thr287=]WNGRLLAATF

ClinVar aggregate classification (germline): Likely benign. Review status: criteria provided, multiple submitters, no conflicts (2 of 4 stars). 4 submissions from 4 submitters: Likely benign (3). 1 of the submissions does not count toward it. Last evaluated 2026-01-28.

Conditions:
Early-infantile DEE. Also called: Ohtahara syndrome; Early infantile epileptic encephalopathy; Early infantile epileptic encephalopathy with suppression bursts. Identifiers: Orphanet 1934, MedGen C0393706, MONDO:0800491.
Inborn genetic diseases. Identifiers: MedGen C0950123, MeSH D030342.
KCNQ2-Related Disorders. Also called: KCNQ2-related condition; KCNQ2-related disorder. Identifiers: MedGen CN169299.

Allele frequency attached by ClinVar (database versions not stated): gnomAD 0.00015 and 0.00016; TOPMed 0.00036.
gnomAD v4.1: 46 of 1,613,908 alleles (0.0029%); highest among the groups gnomAD compares: Admixed American, 0.045%; no homozygotes.

Submissions (4):

Labcorp Genetics (formerly Invitae), Labcorp
Classification: Likely benign for Early-infantile DEE. Last evaluated: 2026-01-28. Review status: criteria provided, single submitter. Criteria: Invitae Variant Classification Sherloc (09022015). Collection method: clinical testing. Allele origin: germline.

GeneDx
Classification: Likely benign. Last evaluated: 2020-03-19. Review status: criteria provided, single submitter. Criteria: GeneDx Variant Classification Process June 2021. Collection method: clinical testing. Allele origin: germline. Affected: yes.

Ambry Genetics
Classification: Likely benign for Inborn genetic diseases. Last evaluated: 2018-11-12. Review status: criteria provided, single submitter. Criteria: Ambry Variant Classification Scheme 2023. Collection method: clinical testing. Allele origin: germline.

PreventionGenetics, part of Exact Sciences
Classification: Likely benign for KCNQ2-related condition. Last evaluated: 2019-08-19. Review status: no assertion criteria provided. Collection method: clinical testing. Allele origin: germline. Not counted in ClinVar's aggregate classification.
Comment: This variant is classified as likely benign based on ACMG/AMP sequence variant interpretation guidelines (Richards et al. 2015 PMID: 25741868, with internal and published modifications).